The following is an entry in ClinVar:

ClinVar aggregate classification (germline): Pathogenic (1 of 4 stars; one submission).

Conditions:
Inborn genetic diseases. Identifiers: MedGen C0950123, MeSH D030342.

Submission:

Ambry Genetics
Classification: Pathogenic for Inborn genetic diseases. Last evaluated: 2020-12-11. Review status: criteria provided, single submitter. Criteria: Ambry Variant Classification Scheme 2023. Collection method: clinical testing. Allele origin: germline.
Comment: The c.3115delG variant, located in coding exon 13 of the SH3TC2 gene, results from a deletion of one nucleotide at nucleotide position 3115, causing a translational frameshift with a predicted alternate stop codon (p.E1039Rfs*37). This alteration is expected to result in loss of function by premature protein truncation or nonsense-mediated mRNA decay. As such, this alteration is interpreted as a disease-causing mutation.

NM_024577.4(SH3TC2):c.3115del (p.Glu1039fs)

Gene: SH3TC2 (SH3 domain and tetratricopeptide repeats 2; minus strand). Cytogenetic location: 5q32.
Variant type: Deletion.
Coding change: c.3115del on transcript NM_024577.4 (MANE Select); coding-DNA position 3115, one base deleted (G; older notation c.3115delG).
Protein change: p.Glu1039fs; shifts the reading frame from glutamic acid 1039.
Molecular consequence: frameshift variant.
Genome position (GRCh38, 1-based): chr5:149,012,673, C deleted on the plus strand (G on the coding strand, the reverse complement: SH3TC2 is on the minus strand); the first of 5 consecutive C bases (chr5:149,012,673-149,012,677); deleting any one gives the same sequence. VCF-style (leftmost placement, unchanged base first): chr5-149012672-TC-T. GRCh37 (hg19) VCF-style: chr5-148392235-TC-T.
Other names: c.3115delG (NM_024577.3); short protein forms E1039fs.
Identifiers: ClinVar variation 1727798 (VCV001727798.2), dbSNP rs2531750264, ClinGen allele CA645545216.